The following is an entry in ClinVar:

NM_001035.3(RYR2):c.6000T>G (p.His2000Gln)

Gene: RYR2 (ryanodine receptor 2; plus strand). Cytogenetic location: 1q43.
Variant type: single nucleotide variant.
Coding change: c.6000T>G on transcript NM_001035.3 (MANE Select); coding-DNA position 6000, T replaced by G.
Protein change: p.His2000Gln; replaces histidine 2000 with glutamine.
Molecular consequence: missense variant.
Genome position (GRCh38, 1-based): chr1:237,623,848, T>G. VCF-style: chr1-237623848-T-G. GRCh37 (hg19) VCF-style: chr1-237787148-T-G.
Other names: c.6000T>G (NM_001035.2); short protein forms H2000Q.
Identifiers: ClinVar variation 3001128 (VCV003001128.4), dbSNP rs369182325, ClinGen allele CA087017.

ClinVar aggregate classification (germline): Conflicting classifications of pathogenicity. Review status: criteria provided, conflicting classifications (1 of 4 stars). 2 submissions from 2 submitters: Uncertain significance (1); Likely benign (1). Last evaluated 2024-06-05.

Conditions:
Catecholaminergic polymorphic ventricular tachycardia 1. Also called: RYR2-Related Catecholaminergic Polymorphic Ventricular Tachycardia; VENTRICULAR TACHYCARDIA, STRESS-INDUCED POLYMORPHIC 1; VENTRICULAR TACHYCARDIA, CATECHOLAMINERGIC POLYMORPHIC, 1, WITH OR WITHOUT ATRIAL DYSFUNCTION AND/OR DILATED CARDIOMYOPATHY. Identifiers: Orphanet 3286, MedGen C1631597, MONDO:0011484, OMIM 604772.

Allele frequency attached by ClinVar (database versions not stated): ExAC 0.00001; gnomAD 0.00001; TOPMed 0.00001; ESP Exome Variant Server 0.00008.
gnomAD v4.1: 2 of 1,610,994 alleles (0.00012%); highest among the groups gnomAD compares: African/African-American, 0.0027%; no homozygotes.

Submissions (2):

GeneDx
Classification: Uncertain significance. Last evaluated: 2024-06-05. Review status: criteria provided, single submitter. Criteria: GeneDx Variant Classification Process June 2021. Collection method: clinical testing. Allele origin: germline. Affected: yes.
Comment: Not observed at significant frequency in large population cohorts (gnomAD); In silico analysis supports that this missense variant has a deleterious effect on protein structure/function; Has not been previously published as pathogenic or benign to our knowledge; Not located in one of the three hot-spot regions of the RYR2 gene, where the majority of pathogenic missense variants occur (PMID: 19926015); This variant is associated with the following publications: (PMID: 19926015)

Labcorp Genetics (formerly Invitae), Labcorp
Classification: Likely benign for Catecholaminergic polymorphic ventricular tachycardia 1. Last evaluated: 2023-12-19. Review status: criteria provided, single submitter. Criteria: Invitae Variant Classification Sherloc (09022015). Collection method: clinical testing. Allele origin: germline.